The following is an entry in ClinVar:

NM_015057.5(MYCBP2):c.11861G>A (p.Gly3954Glu)

Gene: MYCBP2 (MYC binding protein 2; minus strand). Cytogenetic location: 13q22.3.
Variant type: single nucleotide variant.
Coding change: c.11861G>A on transcript NM_015057.5 (MANE Select); coding-DNA position 11861, G replaced by A.
Protein change: p.Gly3954Glu; replaces glycine 3954 with glutamic acid.
Molecular consequence: missense variant.
Genome position (GRCh38, 1-based): chr13:77,070,674, C>T on the plus strand (G>A on the coding strand, the complement: MYCBP2 is on the minus strand). VCF-style: chr13-77070674-C-T. GRCh37 (hg19) VCF-style: chr13-77644809-C-T.
Other names: short protein forms G3954E.
Identifiers: ClinVar variation 3360988 (VCV003360988.1).

ClinVar aggregate classification (germline): Uncertain significance (1 of 4 stars; one submission).

Submission:

GeneDx
Classification: Uncertain significance. Last evaluated: 2023-07-19. Review status: criteria provided, single submitter. Criteria: GeneDx Variant Classification Process June 2021. Collection method: clinical testing. Allele origin: germline. Affected: yes.
Comment: Not observed at significant frequency in large population cohorts (gnomAD); In silico analysis supports that this missense variant has a deleterious effect on protein structure/function; Has not been previously published as pathogenic or benign to our knowledge